The following is an entry in ClinVar:

NM_000199.5(SGSH):c.250-289_463del

Gene: SGSH (N-sulfoglucosamine sulfohydrolase; minus strand). Cytogenetic location: 17q25.3.
Variant type: Deletion.
Coding change: c.250-289_463del on transcript NM_000199.5 (MANE Select); 289 bases into the intron before coding-DNA position 250 through coding-DNA position 463, 770 bases deleted.
Molecular consequence: splice acceptor variant, splice donor variant.
Genome position (GRCh38, 1-based): chr17:80,214,658-80,215,427, 770 bases deleted. GRCh37 (hg19): chr17:78,188,461-78,189,230.
Other names: c.250-289_463del (NM_001352921.3, NM_001352922.2).
Identifiers: ClinVar variation 1383454 (VCV001383454.6), dbSNP rs2144748721, ClinGen allele CA2573155034.

ClinVar aggregate classification (germline): Pathogenic (1 of 4 stars; one submission).

Conditions:
Mucopolysaccharidosis, MPS-III-A (MPS3A). Also called: Mucopolysaccharidosis, type IIIA; mucopolysaccharidosis type 3A; MPS IIIA (Sanfilippo Syndrome Type A); HEPARAN SULFATE SULFATASE DEFICIENCY; Mucopolysaccharidosis type IIIA (Sanfilippo A); SANFILIPPO SYNDROME A. Identifiers: Orphanet 581, Orphanet 79269, MedGen C0086647, MONDO:0009655, OMIM 252900.

Submission:

Labcorp Genetics (formerly Invitae), Labcorp
Classification: Pathogenic for Mucopolysaccharidosis, MPS-III-A. Last evaluated: 2021-08-02. Review status: criteria provided, single submitter. Criteria: Invitae Variant Classification Sherloc (09022015). Collection method: clinical testing. Allele origin: germline.
Comment: This variant results in the deletion of exon 3 and part of exon 4 (c.250-289_463del) of the SGSH gene. It is expected to disrupt RNA splicing. Variants that disrupt the donor or acceptor splice site typically lead to a loss of protein function (PMID: 16199547), and loss-of-function variants in SGSH are known to be pathogenic (PMID: 11182930, 21204211, 22976768). This variant is not present in population databases (ExAC no frequency). This variant has not been reported in the literature in individuals affected with SGSH-related conditions. This variant disrupts a region of the SGSH protein in which other variant(s) (p.Phe101Ser) have been determined to be pathogenic (PMID: 28283807). This suggests that this is a clinically significant region of the protein, and that variants that disrupt it are likely to be disease-causing. For these reasons, this variant has been classified as Pathogenic.

Literature cited by the submitters: PubMed 16199547; PubMed 11182930; PubMed 21204211; PubMed 22976768; PubMed 28283807.